The following is an entry in ClinVar:

NM_000059.4(BRCA2):c.7670C>G (p.Ala2557Gly)

Gene: BRCA2 (BRCA2 DNA repair associated; plus strand). Cytogenetic location: 13q13.1.
Variant type: single nucleotide variant.
Coding change: c.7670C>G on transcript NM_000059.4 (MANE Select); coding-DNA position 7670, C replaced by G.
Protein change: p.Ala2557Gly; replaces alanine 2557 with glycine.
Molecular consequence: missense variant. On other transcripts: non-coding transcript variant (1).
Genome position (GRCh38, 1-based): chr13:32,357,794, C>G. VCF-style: chr13-32357794-C-G. GRCh37 (hg19) VCF-style: chr13-32931931-C-G.
Other names: c.7574C>G, p.Ala2525Gly (NM_001406719.1); c.7670C>G, p.Ala2557Gly (NM_001406720.1, NM_001432077.1); c.2738C>G, p.Ala913Gly (NM_001406721.1); c.1253C>G, p.Ala418Gly (NM_001406722.1); short protein forms A913G, A2525G, A2557G, A418G.
Identifiers: ClinVar variation 4215893 (VCV004215893.1).

ClinVar aggregate classification (germline): Uncertain significance (1 of 4 stars; one submission).

Conditions:
Hereditary cancer-predisposing syndrome. Also called: Hereditary Cancer Syndrome; Hereditary neoplastic syndrome; Neoplastic Syndromes, Hereditary; Tumor predisposition. Identifiers: Orphanet 140162, MedGen C0027672, MeSH D009386, MONDO:0015356.

Submission:

Ambry Genetics
Classification: Uncertain significance for Hereditary cancer-predisposing syndrome. Last evaluated: 2025-08-15. Review status: criteria provided, single submitter. Criteria: Ambry Variant Classification Scheme 2023. Collection method: clinical testing. Allele origin: germline.
Comment: The p.A2557G variant (also known as c.7670C>G), located in coding exon 15 of the BRCA2 gene, results from a C to G substitution at nucleotide position 7670. The alanine at codon 2557 is replaced by glycine, an amino acid with similar properties. This amino acid position is well conserved in available vertebrate species. In addition, this alteration is predicted to be deleterious by in silico analysis. Based on the available evidence, the clinical significance of this variant remains unclear.